The following is an entry in ClinVar:

NM_000334.4(SCN4A):c.2170A>G (p.Lys724Glu)

Genes: GH-LCR (growth hormone locus control region; plus strand), SCN4A (sodium voltage-gated channel alpha subunit 4; minus strand). Cytogenetic location: 17q23.3.
Variant type: single nucleotide variant.
Coding change: c.2170A>G on transcript NM_000334.4 (MANE Select); coding-DNA position 2170, A replaced by G.
Protein change: p.Lys724Glu; replaces lysine 724 with glutamic acid.
Molecular consequence: missense variant.
Genome position (GRCh38, 1-based): chr17:63,957,368, T>C on the plus strand (A>G on the coding strand, the complement: SCN4A is on the minus strand). VCF-style: chr17-63957368-T-C. GRCh37 (hg19) VCF-style: chr17-62034728-T-C.
Other names: short protein forms K724E.
Identifiers: ClinVar variation 2006783 (VCV002006783.4), dbSNP rs1555603150, ClinGen allele CA400630864.

ClinVar aggregate classification (germline): Uncertain significance (1 of 4 stars; one submission).

Conditions:
Hyperkalemic periodic paralysis. Also called: Familial hyperkalemic periodic paralysis; Gamstorp disease. Identifiers: Orphanet 682, MedGen C0238357, MONDO:0008224, OMIM 170500, HP:0007215.

Submission:

Labcorp Genetics (formerly Invitae), Labcorp
Classification: Uncertain significance for Hyperkalemic periodic paralysis. Last evaluated: 2023-05-07. Review status: criteria provided, single submitter. Criteria: Invitae Variant Classification Sherloc (09022015). Collection method: clinical testing. Allele origin: germline.
Comment: In summary, the available evidence is currently insufficient to determine the role of this variant in disease. Therefore, it has been classified as a Variant of Uncertain Significance. Advanced modeling of protein sequence and biophysical properties (such as structural, functional, and spatial information, amino acid conservation, physicochemical variation, residue mobility, and thermodynamic stability) performed at Invitae indicates that this missense variant is not expected to disrupt SCN4A protein function. ClinVar contains an entry for this variant (Variation ID: 2006783). This variant has not been reported in the literature in individuals affected with SCN4A-related conditions. This variant is not present in population databases (gnomAD no frequency). This sequence change replaces lysine, which is basic and polar, with glutamic acid, which is acidic and polar, at codon 724 of the SCN4A protein (p.Lys724Glu).